The following is an entry in ClinVar:

NM_002471.4(MYH6):c.4207G>A (p.Glu1403Lys)

Gene: MYH6 (myosin heavy chain 6; minus strand). Cytogenetic location: 14q11.2.
Variant type: single nucleotide variant.
Coding change: c.4207G>A on transcript NM_002471.4 (MANE Select); coding-DNA position 4207, G replaced by A.
Protein change: p.Glu1403Lys; replaces glutamic acid 1403 with lysine.
Molecular consequence: missense variant.
Genome position (GRCh38, 1-based): chr14:23,388,307, C>T on the plus strand (G>A on the coding strand, the complement: MYH6 is on the minus strand). VCF-style: chr14-23388307-C-T. GRCh37 (hg19) VCF-style: chr14-23857516-C-T.
Other names: short protein forms E1403K.
Identifiers: ClinVar variation 228894 (VCV000228894.13), dbSNP rs769398160, ClinGen allele CA7114843.

ClinVar aggregate classification (germline): Uncertain significance. Review status: criteria provided, multiple submitters, no conflicts (2 of 4 stars). 6 submissions from 6 submitters: Uncertain significance (6). Last evaluated 2025-12-19.

Conditions:
Cardiovascular phenotype. Identifiers: MedGen CN230736.
MYH6-related disorder. Also called: MYH6-Related Disorders; MYH6-related condition.
Cardiomyopathy (CMYO). Also called: Cardiomyopathies. Identifiers: Orphanet 167848, MedGen C0878544, MONDO:0004994, HP:0001638. Inheritance: Various modes of inheritance.
Hypertrophic cardiomyopathy 14. Identifiers: MedGen C2750467, MONDO:0013197, OMIM 613251.

Allele frequency attached by ClinVar (database versions not stated): TOPMed below 0.00001.
gnomAD v4.1: 31 of 1,613,350 alleles (0.0019%); highest among the groups gnomAD compares: East Asian, 0.0045%; no homozygotes.

Submissions (6):

Labcorp Genetics (formerly Invitae), Labcorp
Classification: Uncertain significance for Hypertrophic cardiomyopathy 14. Last evaluated: 2025-12-19. Review status: criteria provided, single submitter. Criteria: Invitae Variant Classification Sherloc (09022015). Collection method: clinical testing. Allele origin: germline.
Comment: This sequence change replaces glutamic acid, which is acidic and polar, with lysine, which is basic and polar, at codon 1403 of the MYH6 protein (p.Glu1403Lys). This variant is present in population databases (rs769398160, gnomAD 0.006%). This missense change has been observed in individual(s) with MYH6-related conditions (PMID: 27707468, 33658040). ClinVar contains an entry for this variant (Variation ID: 228894). Invitae Evidence Modeling of protein sequence and biophysical properties (such as structural, functional, and spatial information, amino acid conservation, physicochemical variation, residue mobility, and thermodynamic stability) indicates that this missense variant is not expected to disrupt MYH6 protein function with a negative predictive value of 80%. In summary, the available evidence is currently insufficient to determine the role of this variant in disease. Therefore, it has been classified as a Variant of Uncertain Significance.

Women's Health and Genetics/Laboratory Corporation of America, LabCorp
Classification: Uncertain significance. Last evaluated: 2025-05-06. Review status: criteria provided, single submitter. Criteria: LabCorp Variant Classification Summary - May 2015. Collection method: clinical testing. Allele origin: germline.
Comment: Variant summary: MYH6 c.4207G>A (p.Glu1403Lys) results in a conservative amino acid change in the encoded protein sequence. Algorithms developed to predict the effect of missense changes on protein structure and function are either unavailable or do not agree on the potential impact of this missense change. The variant allele was found at a frequency of 3.2e-05 in 251394 control chromosomes. The available data on variant occurrences in the general population are insufficient to allow any conclusion about variant significance. c.4207G>A has been observed in individual(s) affected with hypertrophic cardiomyopath and sudden unexplained nocturnal death syndrome, without strong evidence for causality (Chung_2021, Zhang_2016). These report(s) do not provide unequivocal conclusions about association of the variant with Cardiomyopathy. To our knowledge, no experimental evidence demonstrating an impact on protein function has been reported. The following publications have been ascertained in the context of this evaluation (PMID: 33658040, 27707468). ClinVar contains an entry for this variant (Variation ID: 228894). Based on the evidence outlined above, the variant was classified as uncertain significance.

Ambry Genetics
Classification: Uncertain significance for Cardiovascular phenotype. Last evaluated: 2023-12-13. Review status: criteria provided, single submitter. Criteria: Ambry Variant Classification Scheme 2023. Collection method: clinical testing. Allele origin: germline.
Comment: The p.E1403K variant (also known as c.4207G>A), located in coding exon 28 of the MYH6 gene, results from a G to A substitution at nucleotide position 4207. The glutamic acid at codon 1403 is replaced by lysine, an amino acid with similar properties. This amino acid position is highly conserved in available vertebrate species. In addition, this alteration is predicted to be deleterious by in silico analysis. Since supporting evidence is limited at this time, the clinical significance of this alteration remains unclear.

PreventionGenetics, part of Exact Sciences
Classification: Uncertain significance for MYH6-related condition. Last evaluated: 2023-09-14. Review status: criteria provided, single submitter. Criteria: ACMG Guidelines, 2015. Collection method: clinical testing. Allele origin: germline.
Comment: The MYH6 c.4207G>A variant is predicted to result in the amino acid substitution p.Glu1403Lys. This variant was reported as a variant of uncertain significance in an individual with hypertrophic cardiomyopathy (Table S1, Chung et al. 2021. PubMed ID: 33658040) and an individual with sudden unexplained nocturnal death syndrome (Table S2, Zhang et al. 2016. PubMed ID: 27707468). This variant is reported in 0.0054% of alleles in individuals of East Asian descent in gnomAD. At this time, the clinical significance of this variant is uncertain due to the absence of conclusive functional and genetic evidence.

CHEO Genetics Diagnostic Laboratory, Children's Hospital of Eastern Ontario
Classification: Uncertain significance for Cardiomyopathy. Last evaluated: 2018-11-12. Review status: criteria provided, single submitter. Criteria: ACMG Guidelines, 2015. Collection method: clinical testing. Allele origin: germline.

Laboratory for Molecular Medicine, Mass General Brigham Personalized Medicine
Classification: Uncertain significance. Last evaluated: 2015-01-19. Review status: criteria provided, single submitter. Criteria: LMM Criteria. Collection method: clinical testing. Allele origin: germline. Observed: 1 variant allele.
Comment: The p.Glu1403Lys in MYH6 has not been previously reported in individuals with ca rdiomyopathy, but has been identified in 1/8758 East Asian chromosomes by the Ex ome Aggregation Consortium (ExAC). Computational prediction tools and conservation analysis suggest that this variant may impact the protein, though this information is not predictive enough to determine path ogenicity. In summary, the clinical significance of the p.Glu1403Lys variant is uncertain.

Literature cited by the submitters: PubMed 27707468 (cited by Labcorp Genetics (formerly Invitae), Labcorp and Women's Health and Genetics/Laboratory Corporation of America, LabCorp); PubMed 33658040 (cited by Labcorp Genetics (formerly Invitae), Labcorp and Women's Health and Genetics/Laboratory Corporation of America, LabCorp).